The following is an entry in ClinVar:

ClinVar aggregate classification (germline): Uncertain significance (1 of 4 stars; one submission).

Conditions:
Familial cancer of breast. Also called: hereditary breast carcinoma; BREAST CANCER, FAMILIAL; Hereditary breast cancer. Identifiers: Orphanet 227535, MedGen C0346153, MONDO:0016419, OMIM 114480. Disease mechanism: loss of function.
Fanconi anemia complementation group J. Also called: BRIP1-Related Fanconi Anemia. Identifiers: Orphanet 84, MedGen C1836860, MONDO:0012187, OMIM 609054.

Submission:

Labcorp Genetics (formerly Invitae), Labcorp
Classification: Uncertain significance for Familial cancer of breast; Fanconi anemia complementation group J. Last evaluated: 2023-01-12. Review status: criteria provided, single submitter. Criteria: Invitae Variant Classification Sherloc (09022015). Collection method: clinical testing. Allele origin: germline.
Comment: ClinVar contains an entry for this variant (Variation ID: 1007009). In summary, the available evidence is currently insufficient to determine the role of this variant in disease. Therefore, it has been classified as a Variant of Uncertain Significance. Advanced modeling of protein sequence and biophysical properties (such as structural, functional, and spatial information, amino acid conservation, physicochemical variation, residue mobility, and thermodynamic stability) performed at Invitae indicates that this missense variant is expected to disrupt BRIP1 protein function. This variant has not been reported in the literature in individuals affected with BRIP1-related conditions. This variant is not present in population databases (gnomAD no frequency). This sequence change replaces valine, which is neutral and non-polar, with glycine, which is neutral and non-polar, at codon 648 of the BRIP1 protein (p.Val648Gly).

NM_032043.3(BRIP1):c.1943T>G (p.Val648Gly)

Gene: BRIP1 (BRCA1 interacting DNA helicase 1; minus strand). Cytogenetic location: 17q23.2.
Variant type: single nucleotide variant.
Coding change: c.1943T>G on transcript NM_032043.3 (MANE Select); coding-DNA position 1943, T replaced by G.
Protein change: p.Val648Gly; replaces valine 648 with glycine.
Molecular consequence: missense variant.
Genome position (GRCh38, 1-based): chr17:61,776,555, A>C on the plus strand (T>G on the coding strand, the complement: BRIP1 is on the minus strand). VCF-style: chr17-61776555-A-C. GRCh37 (hg19) VCF-style: chr17-59853916-A-C.
Other names: short protein forms V648G.
Identifiers: ClinVar variation 1007009 (VCV001007009.9), dbSNP rs2077537998, ClinGen allele CA400478626.